The following is an entry in ClinVar:

NM_000540.3(RYR1):c.8654C>T (p.Thr2885Met)

Gene: RYR1 (ryanodine receptor 1; plus strand). Cytogenetic location: 19q13.2.
Variant type: single nucleotide variant.
Coding change: c.8654C>T on transcript NM_000540.3 (MANE Select); coding-DNA position 8654, C replaced by T.
Protein change: p.Thr2885Met; replaces threonine 2885 with methionine.
Molecular consequence: missense variant.
Genome position (GRCh38, 1-based): chr19:38,506,508, C>T. VCF-style: chr19-38506508-C-T. GRCh37 (hg19) VCF-style: chr19-38997148-C-T.
Other names: c.8654C>T, p.Thr2885Met (NM_001042723.2); short protein forms T2885M.
Identifiers: ClinVar variation 2435622 (VCV002435622.7), dbSNP rs1159304367, ClinGen allele CA405680051.
Genomic context (GRCh38, chr19:38,506,508, plus strand): 5'-CTTGACTCTGCATCCACTCCCAGGCCATGGCAGAACAACTGGCAGAAAATTACCACAACA[C>T]GTGGGGACGGAAGAAGAAGCAGGAGCTGGAAGCCAAAGGTGAGGGCGCCCATGCCGCCCC-3'
Protein context (NP_000531.2, residues 2875-2895): AEQLAENYHN[Thr2885Met]WGRKKKQELE

ClinVar aggregate classification (germline): Uncertain significance. Review status: criteria provided, multiple submitters, no conflicts (2 of 4 stars). 3 submissions from 3 submitters: Uncertain significance (3). Last evaluated 2024-09-23.

Conditions:
Inborn genetic diseases. Identifiers: MedGen C0950123, MeSH D030342.
Malignant hyperthermia, susceptibility to, 1 (MHS1). Also called: Anesthesia related hyperthermia; Malignant hyperpyrexia; Fulminating hyperpyrexia; Pharmacogenic myopathy; Malignant hyperthermia suceptibility 1; RYR1-Related Malignant Hyperthermia Susceptibility. Identifiers: Orphanet 423, MedGen C2930980, MONDO:0007783, OMIM 145600.

Allele frequency attached by ClinVar (database versions not stated): gnomAD 0.00001.
gnomAD v4.1: 4 of 1,613,970 alleles (0.00025%); highest among the groups gnomAD compares: South Asian, 0.0033%; no homozygotes.

Submissions (3):

All of Us Research Program, National Institutes of Health
Classification: Uncertain significance for Malignant hyperthermia, susceptibility to, 1. Last evaluated: 2024-09-23. Review status: criteria provided, single submitter. Criteria: ACMG Guidelines, 2015. Collection method: clinical testing. Allele origin: germline. Inheritance: Autosomal dominant inheritance. Observed: 2 variant alleles, 2 heterozygotes.
Comment: This study involves interpretation of variants in research participants for the purpose of population health screening. Participant phenotype was not available at the time of variant classification. Additional details can be found in publication PMID: 35346344, PMCID: PMC8962531

Ambry Genetics
Classification: Uncertain significance for Inborn genetic diseases. Last evaluated: 2023-01-24. Review status: criteria provided, single submitter. Criteria: Ambry Variant Classification Scheme 2023. Collection method: clinical testing. Allele origin: germline.

Revvity Omics, Revvity
Classification: Uncertain significance. Last evaluated: 2021-03-23. Review status: criteria provided, single submitter. Criteria: ACMG Guidelines, 2015. Collection method: clinical testing. Allele origin: germline.